The following is an entry in ClinVar:

ClinVar aggregate classification (germline): Conflicting classifications of pathogenicity. Review status: criteria provided, conflicting classifications (1 of 4 stars). 3 submissions from 3 submitters: Uncertain significance (2); Likely benign (1). Last evaluated 2026-01-19.

Allele frequency attached by ClinVar (database versions not stated): gnomAD exomes 0.00010 and 0.00002; ExAC 0.00012; gnomAD 0.00036 and 0.00038; 1000 Genomes Project 30x 0.00031; TOPMed 0.00034; ESP Exome Variant Server 0.00042.
gnomAD v4.1: 90 of 1,614,190 alleles (0.0056%); highest among the groups gnomAD compares: African/African-American, 0.12%; no homozygotes.

Submissions (3):

Labcorp Genetics (formerly Invitae), Labcorp
Classification: Uncertain significance. Last evaluated: 2026-01-19. Review status: criteria provided, single submitter. Criteria: Invitae Variant Classification Sherloc (09022015). Collection method: clinical testing. Allele origin: germline.
Comment: This sequence change replaces glutamic acid, which is acidic and polar, with valine, which is neutral and non-polar, at codon 411 of the NPAT protein (p.Glu411Val). This variant is present in population databases (rs201010866, gnomAD 0.1%), and has an allele count higher than expected for a pathogenic variant. This variant has not been reported in the literature in individuals affected with NPAT-related conditions. ClinVar contains an entry for this variant (Variation ID: 1337443). An algorithm developed to predict the effect of missense changes on protein structure and function (PolyPhen-2) suggests that this variant is likely to be disruptive. Algorithms developed to predict the effect of sequence changes on RNA splicing suggest that this variant may disrupt the consensus splice site. In summary, the available evidence is currently insufficient to determine the role of this variant in disease. Therefore, it has been classified as a Variant of Uncertain Significance.

Ambry Genetics
Classification: Uncertain significance. Last evaluated: 2024-02-28. Review status: criteria provided, single submitter. Criteria: Ambry Variant Classification Scheme 2023. Collection method: clinical testing. Allele origin: germline.

Genetic Services Laboratory, University of Chicago
Classification: Likely benign. Last evaluated: 2019-11-12. Review status: criteria provided, single submitter. Criteria: ACMG Guidelines, 2015. Collection method: clinical testing. Allele origin: germline. Affected: no.

NM_002519.3(NPAT):c.1232A>T (p.Glu411Val)

Gene: NPAT (nuclear protein, coactivator of histone transcription; minus strand). Cytogenetic location: 11q22.3.
Variant type: single nucleotide variant.
Coding change: c.1232A>T on transcript NM_002519.3 (MANE Select); coding-DNA position 1232, A replaced by T.
Protein change: p.Glu411Val; replaces glutamic acid 411 with valine.
Molecular consequence: missense variant.
Genome position (GRCh38, 1-based): chr11:108,173,752, T>A on the plus strand (A>T on the coding strand, the complement: NPAT is on the minus strand). VCF-style: chr11-108173752-T-A. GRCh37 (hg19) VCF-style: chr11-108044479-T-A.
Other names: c.1232A>T, p.Glu411Val (NM_001321307.1); short protein forms E411V.
Identifiers: ClinVar variation 1337443 (VCV001337443.9), dbSNP rs201010866, ClinGen allele CA6264041.